The following is an entry in ClinVar:

ClinVar aggregate classification (germline): Uncertain significance (1 of 4 stars; one submission).

Conditions:
Seizures, benign familial infantile, 3 (BFIS3). Also called: CONVULSIONS, BENIGN FAMILIAL INFANTILE, 3; Familial neonatal seizures. Identifiers: Orphanet 140927, Orphanet 306, MedGen C1843140, MONDO:0011904, OMIM 607745.
Developmental and epileptic encephalopathy, 11 (DEE11). Also called: Early infantile epileptic encephalopathy 11. Identifiers: Orphanet 1934, MedGen C3150987, MONDO:0013388, OMIM 613721.

Submission:

Labcorp Genetics (formerly Invitae), Labcorp
Classification: Uncertain significance for Seizures, benign familial infantile, 3; Developmental and epileptic encephalopathy, 11. Last evaluated: 2022-05-29. Review status: criteria provided, single submitter. Criteria: Invitae Variant Classification Sherloc (09022015). Collection method: clinical testing. Allele origin: germline.
Comment: This sequence change affects codon 17 of the SCN2A mRNA. It is a 'silent' change, meaning that it does not change the encoded amino acid sequence of the SCN2A protein. This variant is not present in population databases (gnomAD no frequency). This variant has not been reported in the literature in individuals affected with SCN2A-related conditions. Algorithms developed to predict the effect of sequence changes on RNA splicing suggest that this variant may disrupt the consensus splice site. In summary, the available evidence is currently insufficient to determine the role of this variant in disease. Therefore, it has been classified as a Variant of Uncertain Significance.

NM_001040142.2(SCN2A):c.51T>C (p.Phe17=)

Gene: SCN2A (sodium voltage-gated channel alpha subunit 2; plus strand). Cytogenetic location: 2q24.3.
Variant type: single nucleotide variant.
Coding change: c.51T>C on transcript NM_001040142.2 (MANE Select); coding-DNA position 51, T replaced by C.
Protein change: p.Phe17=; no amino-acid change (phenylalanine 17 retained).
Molecular consequence: synonymous variant.
Genome position (GRCh38, 1-based): chr2:165,295,874, T>C. VCF-style: chr2-165295874-T-C. GRCh37 (hg19) VCF-style: chr2-166152384-T-C.
Other names: c.51T>C, p.Phe17= (NM_001040143.2, NM_001371246.1, NM_001371247.1 and 1 more transcripts).
Identifiers: ClinVar variation 1963264 (VCV001963264.5), dbSNP rs2467837960, ClinGen allele CA429883649.